The following is an entry in ClinVar:

ClinVar aggregate classification (germline): Pathogenic (0 of 4 stars; one submission).

Conditions:
Steinert myotonic dystrophy syndrome (DM1). Also called: STEINERT DISEASE; Myotonic dystrophy type 1; Dystrophia myotonica type 1; Steinert myotonic dystrophy; Steinert's disease. Identifiers: Orphanet 273, MedGen C3250443, MONDO:0008056, OMIM 160900.

Submission:

Institute of Molecular, Cell and Systems Biology, University of Glasgow
Classification: Pathogenic for Steinert myotonic dystrophy syndrome. Review status: no assertion criteria provided. Criteria: research. Collection method: research. Allele origin: germline. Inheritance: Autosomal dominant inheritance. Affected: yes. Observed: 1 heterozygote.
Comment: DMPK CTG repeat expansions greater than approximately 45-50 repeats are assumed to be pathogenic

This record is based on data published in PubMed 25052313, which reports only ClinVar accessions SCV000120188 and SCV000120189. The complete data set includes SCV000207445 - SCV000207579.

Literature cited by the submitters: PubMed 1346923; PubMed 1546326; PubMed 25052313.

NM_004409.5(DMPK):c.*224CTG[132]

Genes: DMPK (DM1 protein kinase; minus strand), DM1-AS (DM1 locus antisense RNA; plus strand), LOC107075317 (origin of replication in DMPK trinucleotide repeat region; plus strand), LOC109461477 (dystrophia myotonica protein kinase repeat instability region; plus strand). Cytogenetic location: 19q13.32.
Variant type: Microsatellite.
Coding change: c.*224CTG[132] on transcript NM_004409.5 (MANE Select); 132 copies in a row of the 3-base unit CTG starting at c.*224.
Molecular consequence: 3 prime UTR variant.
Genome position: GRCh38, VCF-style position (the base before the change): chr19:45,770,204. GRCh37 (hg19), VCF-style position (the base before the change): chr19:46,273,462.
Other names: DM1 CTG repeat expansion; c.*222_*224TGC[132] (NM_001081563.3); c.*224CTG[132] (NM_001288764.2, NM_001424165.1, NM_001424169.1 and 1 more transcripts); c.*217CTG[132] (NM_001288765.2, NM_001424162.1, NM_001424163.1 and 2 more transcripts); c.*369CTG[132] (NM_001288766.2, NM_001424164.1, NM_001424168.1).
Identifiers: ClinVar variation 187920 (VCV000187920.1), ClinGen allele CA915951717.